The following is an entry in ClinVar:

ClinVar aggregate classification (germline): Likely pathogenic (1 of 4 stars; one submission).

Conditions:
Vitamin K-dependent clotting factors, combined deficiency of, type 1. Also called: FACTORS II, VII, IX, AND X, COMBINED DEFICIENCY OF; FAMILIAL MULTIPLE COAGULATION FACTOR DEFICIENCY III; FMFD III; GLUTAMIC ACID, DEFICIENT GAMMA-CARBOXYLATION OF; MULTIPLE COAGULATION FACTOR DEFICIENCY III; VITAMIN K-DEPENDENT COAGULATION DEFECT. Identifiers: Orphanet 98434, MedGen C1848534, MONDO:0010187, OMIM 277450.

gnomAD v4.1: 1 of 1,614,184 alleles (0.000062%); highest among the groups gnomAD compares: Non-Finnish European, 0.000085%; no homozygotes.

Submission:

Juno Genomics, Hangzhou Juno Genomics, Inc
Classification: Likely pathogenic for Vitamin K-dependent clotting factors, combined deficiency of, type 1. Review status: criteria provided, single submitter. Criteria: ACMG Guidelines, 2015. Collection method: clinical testing. Allele origin: germline. Affected: yes.
Comment: Absent from controls (or at extremely low frequency if recessive) in Genome Aggregation Database, Exome Sequencing Project, 1000 Genomes Project, or Exome Aggregation Consortium.;Multiple lines of computational evidence support a deleterious effect on the gene or gene product (conservation, evolutionary, splicing impact, etc).;For recessive disorders, detected in trans with a pathogenic variant.;Patient's phenotype or family history is highly specific for a disease with a single genetic etiology.

NM_000821.7(GGCX):c.1282C>T (p.Pro428Ser)

Gene: GGCX (gamma-glutamyl carboxylase; minus strand). Cytogenetic location: 2p11.2.
Variant type: single nucleotide variant.
Coding change: c.1282C>T on transcript NM_000821.7 (MANE Select); coding-DNA position 1282, C replaced by T.
Protein change: p.Pro428Ser; replaces proline 428 with serine.
Molecular consequence: missense variant.
Genome position (GRCh38, 1-based): chr2:85,552,944, G>A on the plus strand (C>T on the coding strand, the complement: GGCX is on the minus strand). VCF-style: chr2-85552944-G-A. GRCh37 (hg19) VCF-style: chr2-85780067-G-A.
Other names: c.1111C>T, p.Pro371Ser (NM_001142269.4); short protein forms P371S, P428S.
Identifiers: ClinVar variation 3392475 (VCV003392475.2).